The following is an entry in ClinVar:

ClinVar aggregate classification (germline): Pathogenic (1 of 4 stars; one submission).

Conditions:
Ataxia-telangiectasia syndrome (AT). Also called: Cerebello-oculocutaneous telangiectasia; Immunodeficiency with ataxia telangiectasia; ATAXIA-TELANGIECTASIA, FRESNO VARIANT; Ataxia-telangiectasia, complementation group D; Ataxia telangiectasia (A-T); LOUIS-BAR SYNDROME. Identifiers: Orphanet 100, MedGen C0004135, MONDO:0008840, OMIM 208900.

Submission:

Labcorp Genetics (formerly Invitae), Labcorp
Classification: Pathogenic for Ataxia-telangiectasia syndrome. Last evaluated: 2019-10-31. Review status: criteria provided, single submitter. Criteria: Invitae Variant Classification Sherloc (09022015). Collection method: clinical testing. Allele origin: germline.
Comment: This variant is a gross deletion of the genomic region encompassing exons 62-63 of the ATM gene. The 5' boundary is likely confined to intron 61. The 3' end of this event is unknown as it extends through the termination codon beyond the assayed region for this gene and may encompass additional genes. While this deletion is not anticipated to result in nonsense mediated decay, it is expected to create a truncated protein product or disrupt mRNA translation. Deletions encompassing exons 62-63 of ATM have been reported in several individuals with ataxia-telangiectasia, some of whom were homozygous for this variant (PMID: 9443866, 9792409,25614872). In addition, this variant has been observed in individuals with breast cancer (PMID: 25428789, 26681312). This variant is also known as a deletion of exons 64-65 in the literature. A missense change in exon 63 (p.Arg3008Cys) and a deletion encompassing exon 63 have been determined to be pathogenic (PMID: 9872980, 12552566, 23807571). Therefore, deletions that encompass that region are likely to disrupt protein function and cause disease. For these reasons, this variant has been classified as Pathogenic.

Literature cited by the submitters: PubMed 9443866; PubMed 9792409; PubMed 25614872; PubMed 25428789; PubMed 26681312; PubMed 9872980; PubMed 12552566; PubMed 23807571.

NC_000011.9:g.(?_108235810)_108237715del

Gene: ATM (ATM serine/threonine kinase; plus strand).
Variant type: Deletion.
Identifiers: ClinVar variation 1073822 (VCV001073822.2).